The following is an entry in ClinVar:

ClinVar aggregate classification (germline): Likely pathogenic (1 of 4 stars; one submission).

Conditions:
Beck-Fahrner syndrome (BEFAHRS). Identifiers: Orphanet 684216, MedGen C5394097, MONDO:0032922, OMIM 618798.

Submission:

Variantyx, Inc.
Classification: Likely pathogenic for Beck-Fahrner syndrome. Last evaluated: 2025-08-05. Review status: criteria provided, single submitter. Criteria: Variantyx Assertion Criteria 2022. Collection method: clinical testing. Allele origin: germline. Inheritance: Semidominant inheritance. Affected: yes.
Comment: This is a frameshift variant in the TET3 gene (OMIM: 613555). Pathogenic variants in this gene have been associated with autosomal semidominant Beck-Fahrner syndrome. The alteration introduces a premature termination codon in exon 4 out of 12and is expected to result in loss of function, which is a known disease mechanism for TET3 in this disorder (PMID: 31928709) (PVS1). This variant is absent from control populations (PM2), and it has not been reported in individuals with TET3-related disorders in the databases available for review. Based on the current evidence, this variant is classified as likely pathogenic for autosomal semidominant Beck-Fahrner syndrome.

Literature cited by the submitters: PubMed 31928709.

NM_001287491.2(TET3):c.1103_1104del (p.Ser368fs)

Gene: TET3 (tet methylcytosine dioxygenase 3; plus strand). Cytogenetic location: 2p13.1.
Variant type: Microsatellite.
Coding change: c.1103_1104del on transcript NM_001287491.2 (MANE Select); coding-DNA positions 1103 to 1104, 2 bases deleted (CT; older notation c.1103_1104delCT).
Protein change: p.Ser368fs; shifts the reading frame from serine 368.
Molecular consequence: frameshift variant.
Genome position (GRCh38, 1-based): chr2:74,047,020-74,047,021, CT deleted; deleting any 2 consecutive bases within chr2:74,047,018-74,047,021 gives the same sequence; the c. name uses the placement nearest the transcript's 3' end. VCF-style (leftmost placement, unchanged base first): chr2-74047017-CCT-C. GRCh37 (hg19) VCF-style: chr2-74274144-CCT-C.
Other names: c.824_825del, p.Ser275fs (NM_001366022.1); short protein forms S275fs, S368fs.
Identifiers: ClinVar variation 4852254 (VCV004852254.1).